The following is an entry in ClinVar:

ClinVar aggregate classification (germline): Uncertain significance (1 of 4 stars; one submission).

Conditions:
POLD1-related polyposis and colorectal cancer syndrome (CRCS10). Also called: Colorectal cancer 10; COLORECTAL CANCER, SUSCEPTIBILITY TO, ON CHROMOSOME 19q; Colorectal cancer, susceptibility to, 10. Identifiers: Orphanet 220460, MedGen C2675481, MONDO:0012953, OMIM 612591.

Submission:

Labcorp Genetics (formerly Invitae), Labcorp
Classification: Uncertain significance for POLD1-related polyposis and colorectal cancer syndrome. Last evaluated: 2018-05-15. Review status: criteria provided, single submitter. Criteria: Invitae Variant Classification Sherloc (09022015). Collection method: clinical testing. Allele origin: germline.
Comment: In summary, the available evidence is currently insufficient to determine the role of this variant in disease. Therefore, it has been classified as a Variant of Uncertain Significance. Algorithms developed to predict the effect of missense changes on protein structure and function output the following: SIFT: "Tolerated"; PolyPhen-2: "Benign"; Align-GVGD: "Class C0". The glutamic acid amino acid residue is found in multiple mammalian species, suggesting that this missense change does not adversely affect protein function. These predictions have not been confirmed by published functional studies and their clinical significance is uncertain. This variant has not been reported in the literature in individuals with POLD1-related disease. While this variant is not present in population databases, the frequency information is unreliable, as metrics indicate poor data quality at this position in the ExAC database. This sequence change replaces aspartic acid with glutamic acid at codon 987 of the POLD1 protein (p.Asp987Glu). The aspartic acid residue is weakly conserved and there is a small physicochemical difference between aspartic acid and glutamic acid.

NM_002691.4(POLD1):c.2961C>G (p.Asp987Glu)

Gene: POLD1 (DNA polymerase delta 1, catalytic subunit; plus strand). Cytogenetic location: 19q13.33.
Variant type: single nucleotide variant.
Coding change: c.2961C>G on transcript NM_002691.4 (MANE Select); coding-DNA position 2961, C replaced by G.
Protein change: p.Asp987Glu; replaces aspartic acid 987 with glutamic acid.
Molecular consequence: missense variant. On other transcripts: non-coding transcript variant (1).
Genome position (GRCh38, 1-based): chr19:50,416,617, C>G. VCF-style: chr19-50416617-C-G. GRCh37 (hg19) VCF-style: chr19-50919874-C-G.
Other names: c.2961C>G, p.Asp987Glu (NM_001256849.1); c.3039C>G, p.Asp1013Glu (NM_001308632.1); short protein forms D1013E, D987E.
Identifiers: ClinVar variation 1016312 (VCV001016312.8), dbSNP rs1489398122, ClinGen allele CA406986788.